The following is an entry in ClinVar:

ClinVar aggregate classification (germline): Pathogenic (1 of 4 stars; one submission).

Conditions:
Familial cancer of breast. Also called: Hereditary breast cancer; BREAST CANCER, FAMILIAL; hereditary breast carcinoma. Identifiers: Orphanet 227535, MedGen C0346153, MONDO:0016419, OMIM 114480. Disease mechanism: loss of function.

Submission:

Labcorp Genetics (formerly Invitae), Labcorp
Classification: Pathogenic for Familial cancer of breast. Last evaluated: 2025-01-13. Review status: criteria provided, single submitter. Criteria: Invitae Variant Classification Sherloc (09022015). Collection method: clinical testing. Allele origin: germline.
Comment: This sequence change creates a premature translational stop signal (p.Ala237Valfs*10) in the CHEK2 gene. It is expected to result in an absent or disrupted protein product. Loss-of-function variants in CHEK2 are known to be pathogenic (PMID: 21876083, 24713400). This variant is not present in population databases (gnomAD no frequency). This variant has not been reported in the literature in individuals affected with CHEK2-related conditions. For these reasons, this variant has been classified as Pathogenic.

Literature cited by the submitters: PubMed 21876083; PubMed 24713400.

NM_007194.4(CHEK2):c.710del (p.Ala237fs)

Gene: CHEK2 (checkpoint kinase 2; minus strand). Cytogenetic location: 22q12.1.
Variant type: Deletion.
Coding change: c.710del on transcript NM_007194.4 (MANE Select); coding-DNA position 710, one base deleted (C; older notation c.710delC).
Protein change: p.Ala237fs; shifts the reading frame from alanine 237.
Molecular consequence: frameshift variant.
Genome position (GRCh38, 1-based): chr22:28,711,991, G deleted on the plus strand (C on the coding strand, the reverse complement: CHEK2 is on the minus strand). VCF-style (leftmost placement, unchanged base first): chr22-28711990-AG-A. GRCh37 (hg19) VCF-style: chr22-29107978-AG-A.
Other names: c.839delC, p.Ala280Valfs (NM_001005735.3); c.47delC, p.Ala16Valfs (NM_001257387.3); c.509delC, p.Ala170Valfs (NM_001349956.3); c.710delC, p.Ala237Valfs (NM_145862.3); short protein forms A16fs, A237fs, A280fs, A170fs.
Identifiers: ClinVar variation 3728901 (VCV003728901.2).